The following is an entry in ClinVar:

NM_001606.5(ABCA2):c.5754C>T (p.Thr1918=)

Genes: ABCA2 (ATP binding cassette subfamily A member 2; minus strand), LOC126860796 (CDK7 strongly-dependent group 2 enhancer GRCh37_chr9:139904888-139906087; plus strand). Cytogenetic location: 9q34.3.
Variant type: single nucleotide variant.
Coding change: c.5754C>T on transcript NM_001606.5 (MANE Select); coding-DNA position 5754, C replaced by T.
Protein change: p.Thr1918=; no amino-acid change (threonine 1918 retained).
Molecular consequence: synonymous variant.
Genome position (GRCh38, 1-based): chr9:137,011,452, G>A on the plus strand (C>T on the coding strand, the complement: ABCA2 is on the minus strand). VCF-style: chr9-137011452-G-A. GRCh37 (hg19) VCF-style: chr9-139905904-G-A.
Other names: c.5844C>T, p.Thr1948= (NM_212533.3).
Identifiers: ClinVar variation 730704 (VCV000730704.27), dbSNP rs200489779, ClinGen allele CA5353893.

ClinVar aggregate classification (germline): Benign/Likely benign. Review status: criteria provided, multiple submitters, no conflicts (2 of 4 stars). 4 submissions from 4 submitters: Benign (2); Likely benign (2). Last evaluated 2026-04-01.

Allele frequency attached by ClinVar (database versions not stated): gnomAD exomes 0.00007 and 0.00027; ExAC 0.00036; gnomAD 0.00066 and 0.00068; TOPMed 0.00081; 1000 Genomes Project 0.00180; ESP Exome Variant Server 0.00181; 1000 Genomes Project 30x 0.00234.

Submissions (4):

CeGaT Center for Human Genetics Tuebingen
Classification: Likely benign. Last evaluated: 2026-04-01. Review status: criteria provided, single submitter. Criteria: CeGaT Center For Human Genetics Tuebingen Variant Classification Criteria Version 2. Collection method: clinical testing. Allele origin: germline. Affected: yes. Observed: 2 variant alleles.
Comment: ABCA2: BP4, BP7

Blueprint Genetics
Classification: Likely benign. Last evaluated: 2024-04-22. Review status: criteria provided, single submitter. Criteria: ACMG Guidelines, 2015. Collection method: clinical testing. Allele origin: germline.

Labcorp Genetics (formerly Invitae), Labcorp
Classification: Benign. Last evaluated: 2018-02-09. Review status: criteria provided, single submitter. Criteria: Invitae Variant Classification Sherloc (09022015). Collection method: clinical testing. Allele origin: germline.

Breakthrough Genomics
Classification: Benign. Review status: criteria provided, single submitter. Criteria: ACMG Guidelines, 2015. Collection method: not provided. Allele origin: germline. Inheritance: Autosomal recessive inheritance. Affected: yes.